The following is an entry in ClinVar:

ClinVar aggregate classification (germline): Conflicting classifications of pathogenicity. Review status: criteria provided, conflicting classifications (1 of 4 stars). 5 submissions from 5 submitters: Uncertain significance (1); Likely benign (3). 1 of the submissions does not count toward it. Last evaluated 2026-01-20.

Conditions:
Colorectal cancer, susceptibility to, 12 (CRCS12). Also called: COLORECTAL CANCER, SUSCEPTIBILITY TO, ON CHROMOSOME 12q24. Identifiers: Orphanet 220460, MedGen C3554460, MONDO:0014038, OMIM 615083.

Allele frequency attached by ClinVar (database versions not stated): ExAC 0.00004; gnomAD 0.00004; TOPMed 0.00004; gnomAD exomes 0.00006.
gnomAD v4.1: 83 of 1,611,894 alleles (0.0051%); highest among the groups gnomAD compares: Admixed American, 0.032%; no homozygotes.

Submissions (5):

Labcorp Genetics (formerly Invitae), Labcorp
Classification: Likely benign. Last evaluated: 2026-01-20. Review status: criteria provided, single submitter. Criteria: Invitae Variant Classification Sherloc (09022015). Collection method: clinical testing. Allele origin: germline.

Blueprint Genetics
Classification: Likely benign. Last evaluated: 2023-10-11. Review status: criteria provided, single submitter. Criteria: ACMG Guidelines, 2015. Collection method: clinical testing. Allele origin: germline.

Institute for Clinical Genetics, University Hospital TU Dresden, University Hospital TU Dresden
Classification: Uncertain significance. Last evaluated: 2021-11-03. Review status: criteria provided, single submitter. Criteria: ACMG Guidelines, 2015. Collection method: clinical testing. Allele origin: germline.

GeneDx
Classification: Likely benign. Last evaluated: 2017-08-29. Review status: criteria provided, single submitter. Criteria: GeneDx Variant Classification (06012015). Collection method: clinical testing. Allele origin: germline. Affected: yes.
Comment: This variant is considered likely benign or benign based on one or more of the following criteria: it is a conservative change, it occurs at a poorly conserved position in the protein, it is predicted to be benign by multiple in silico algorithms, and/or has population frequency not consistent with disease.

Counsyl
Classification: Likely benign for Colorectal cancer, susceptibility to, 12. Last evaluated: 2016-09-08. Review status: no assertion criteria provided. Collection method: clinical testing. Allele origin: unknown. Not counted in ClinVar's aggregate classification.

NM_006231.4(POLE):c.4952+17C>T

Gene: POLE (DNA polymerase epsilon, catalytic subunit; minus strand). Cytogenetic location: 12q24.33.
Variant type: single nucleotide variant.
Coding change: c.4952+17C>T on transcript NM_006231.4 (MANE Select); 17 bases into the intron after coding-DNA position 4952, C replaced by T.
Molecular consequence: intron variant.
Genome position (GRCh38, 1-based): chr12:132,642,489, G>A on the plus strand (C>T on the coding strand, the complement: POLE is on the minus strand). VCF-style: chr12-132642489-G-A. GRCh37 (hg19) VCF-style: chr12-133219075-G-A.
Identifiers: ClinVar variation 371954 (VCV000371954.15), dbSNP rs750268044, ClinGen allele CA6892672.